The following is an entry in ClinVar:

ClinVar aggregate classification (germline): Uncertain significance. Review status: criteria provided, multiple submitters, no conflicts (2 of 4 stars). 4 submissions from 4 submitters: Uncertain significance (4). Last evaluated 2025-11-03.

Conditions:
Hereditary cancer-predisposing syndrome. Also called: Neoplastic Syndromes, Hereditary; Tumor predisposition; Hereditary Cancer Syndrome; Hereditary neoplastic syndrome. Identifiers: Orphanet 140162, MedGen C0027672, MeSH D009386, MONDO:0015356.
Ataxia-telangiectasia syndrome (AT). Also called: LOUIS-BAR SYNDROME; Ataxia telangiectasia (A-T); ATAXIA-TELANGIECTASIA, COMPLEMENTATION GROUP A; ATAXIA-TELANGIECTASIA, FRESNO VARIANT; Ataxia-telangiectasia; Ataxia-telangiectasia, complementation group D. Identifiers: Orphanet 100, MedGen C0004135, MONDO:0008840, OMIM 208900.

Submissions (4):

Labcorp Genetics (formerly Invitae), Labcorp
Classification: Uncertain significance for Ataxia-telangiectasia syndrome. Last evaluated: 2025-11-03. Review status: criteria provided, single submitter. Criteria: Invitae Variant Classification Sherloc (09022015). Collection method: clinical testing. Allele origin: germline.
Comment: This sequence change replaces isoleucine, which is neutral and non-polar, with methionine, which is neutral and non-polar, at codon 1581 of the ATM protein (p.Ile1581Met). This variant is not present in population databases (gnomAD no frequency). This variant has not been reported in the literature in individuals affected with ATM-related conditions. ClinVar contains an entry for this variant (Variation ID: 825137). Invitae Evidence Modeling of protein sequence and biophysical properties (such as structural, functional, and spatial information, amino acid conservation, physicochemical variation, residue mobility, and thermodynamic stability) indicates that this missense variant is not expected to disrupt ATM protein function with a negative predictive value of 95%. In summary, the available evidence is currently insufficient to determine the role of this variant in disease. Therefore, it has been classified as a Variant of Uncertain Significance.

Blueprint Genetics
Classification: Uncertain significance. Last evaluated: 2024-07-25. Review status: criteria provided, single submitter. Criteria: ACMG Guidelines, 2015. Collection method: clinical testing. Allele origin: germline.

Color Diagnostics, LLC DBA Color Health
Classification: Uncertain significance for Hereditary cancer-predisposing syndrome. Last evaluated: 2024-03-06. Review status: criteria provided, single submitter. Criteria: ACMG Guidelines, 2015. Collection method: clinical testing. Allele origin: germline.
Comment: This missense variant replaces isoleucine with methionine at codon 1581 of the ATM protein. Computational prediction suggests that this variant may not impact protein structure and function (internally defined REVEL score threshold <= 0.5, PMID: 27666373). To our knowledge, functional studies have not been reported for this variant. This variant has not been reported in individuals affected with hereditary cancer in the literature. This variant has not been identified in the general population by the Genome Aggregation Database (gnomAD). The available evidence is insufficient to determine the role of this variant in disease conclusively. Therefore, this variant is classified as a Variant of Uncertain Significance.

Ambry Genetics
Classification: Uncertain significance for Hereditary cancer-predisposing syndrome. Last evaluated: 2023-11-14. Review status: criteria provided, single submitter. Criteria: Ambry Variant Classification Scheme 2023. Collection method: clinical testing. Allele origin: germline.
Comment: The p.I1581M variant (also known as c.4743C>G), located in coding exon 30 of the ATM gene, results from a C to G substitution at nucleotide position 4743. The isoleucine at codon 1581 is replaced by methionine, an amino acid with highly similar properties. This amino acid position is well conserved in available vertebrate species. In addition, this alteration is predicted to be tolerated by in silico analysis. Since supporting evidence is limited at this time, the clinical significance of this alteration remains unclear.

NM_000051.4(ATM):c.4743C>G (p.Ile1581Met)

Gene: ATM (ATM serine/threonine kinase; plus strand). Cytogenetic location: 11q22.3.
Variant type: single nucleotide variant.
Coding change: c.4743C>G on transcript NM_000051.4 (MANE Select); coding-DNA position 4743, C replaced by G.
Protein change: p.Ile1581Met; replaces isoleucine 1581 with methionine.
Molecular consequence: missense variant.
Genome position (GRCh38, 1-based): chr11:108,293,444, C>G. VCF-style: chr11-108293444-C-G. GRCh37 (hg19) VCF-style: chr11-108164171-C-G.
Other names: c.4743C>G, p.Ile1581Met (NM_001351834.2); short protein forms I1581M.
Identifiers: ClinVar variation 825137 (VCV000825137.12), dbSNP rs1591677662, ClinGen allele CA382535078.